The following is an entry in ClinVar:

NM_201596.3(CACNB2):c.1488+9A>G

Gene: CACNB2 (calcium voltage-gated channel auxiliary subunit beta 2; plus strand). Cytogenetic location: 10p12.31.
Variant type: single nucleotide variant.
Coding change: c.1488+9A>G on transcript NM_201596.3 (MANE Select); 9 bases into the intron after coding-DNA position 1488, A replaced by G.
Molecular consequence: intron variant.
Genome position (GRCh38, 1-based): chr10:18,538,374, A>G. VCF-style: chr10-18538374-A-G. GRCh37 (hg19) VCF-style: chr10-18827303-A-G.
Other names: c.1404+9A>G (NM_201571.4); c.1290+9A>G (NM_001167945.2); c.1332+9A>G (NM_201572.4); c.1374+9A>G (NM_201593.3); c.1416+9A>G (NM_201597.3); c.1323+9A>G (NM_000724.4); c.1209+9A>G (NM_001330060.2); c.1326+9A>G (NM_201590.3); and 1 more.
Identifiers: ClinVar variation 701390 (VCV000701390.13), dbSNP rs368473992, ClinGen allele CA5430041.

ClinVar aggregate classification (germline): Benign. Review status: criteria provided, single submitter (1 of 4 stars). 2 submissions from 2 submitters: Benign (1). 1 of the submissions does not count toward it. Last evaluated 2026-01-26.

Conditions:
CACNB2-related disorder. Also called: CACNB2-related condition.
Brugada syndrome 4 (BRGDA4). Identifiers: Orphanet 130, MedGen C2678477, MONDO:0012743, OMIM 611876.

Allele frequency attached by ClinVar (database versions not stated): gnomAD exomes 0.00002 and 0.00007; ExAC 0.00010; ESP Exome Variant Server 0.00015; TOPMed 0.00017; gnomAD 0.00024 and 0.00026; 1000 Genomes Project 30x 0.00031; 1000 Genomes Project 0.00040.
gnomAD v4.1: 69 of 1,611,616 alleles (0.0043%); highest among the groups gnomAD compares: African/African-American, 0.088%; 1 homozygote.

Submissions (2):

Labcorp Genetics (formerly Invitae), Labcorp
Classification: Benign for Brugada syndrome 4. Last evaluated: 2026-01-26. Review status: criteria provided, single submitter. Criteria: Invitae Variant Classification Sherloc (09022015). Collection method: clinical testing. Allele origin: germline.

PreventionGenetics, part of Exact Sciences
Classification: Likely benign for CACNB2-related condition. Last evaluated: 2019-08-28. Review status: no assertion criteria provided. Collection method: clinical testing. Allele origin: germline. Not counted in ClinVar's aggregate classification.
Comment: This variant is classified as likely benign based on ACMG/AMP sequence variant interpretation guidelines (Richards et al. 2015 PMID: 25741868, with internal and published modifications).